The following is an entry in ClinVar:

ClinVar aggregate classification (germline): Pathogenic. Review status: criteria provided, multiple submitters, no conflicts (2 of 4 stars). 5 submissions from 5 submitters: Pathogenic (5). Last evaluated 2024-10-31.

Conditions:
KBG syndrome (KBGS). Also called: ANKRD11-Related KBG Syndrome. Identifiers: Orphanet 2332, MedGen C0220687, MONDO:0007846, OMIM 148050.

Submissions (5):

Institute of Human Genetics, Clinical Exome/Genome Diagnostics Group, University Hospital Bonn
Classification: Pathogenic for KBG syndrome. Last evaluated: 2024-10-31. Review status: criteria provided, single submitter. Criteria: ACMG Guidelines, 2015. Collection method: clinical testing. Allele origin: de novo. Affected: yes.

CeGaT Center for Human Genetics Tuebingen
Classification: Pathogenic. Last evaluated: 2023-10-01. Review status: criteria provided, single submitter. Criteria: CeGaT Center For Human Genetics Tuebingen Variant Classification Criteria Version 2. Collection method: clinical testing. Allele origin: germline. Affected: yes. Observed: 1 variant allele.
Comment: ANKRD11: PVS1, PM2

GeneDx
Classification: Pathogenic. Last evaluated: 2023-05-31. Review status: criteria provided, single submitter. Criteria: GeneDx Variant Classification Process June 2021. Collection method: clinical testing. Allele origin: germline. Affected: yes.
Comment: Frameshift variant predicted to result in protein truncation or nonsense mediated decay in a gene for which loss-of-function is a known mechanism of disease; Not observed in large population cohorts (gnomAD); Has not been previously published as pathogenic or benign to our knowledge

Labcorp Genetics (formerly Invitae), Labcorp
Classification: Pathogenic for KBG syndrome. Last evaluated: 2019-10-23. Review status: criteria provided, single submitter. Criteria: Invitae Variant Classification Sherloc (09022015). Collection method: clinical testing. Allele origin: germline.
Comment: Loss-of-function variants in ANKRD11 are known to be pathogenic (PMID: 21782149, 25125236, 25413698, 25652421). For these reasons, this variant has been classified as Pathogenic. This variant has not been reported in the literature in individuals with ANKRD11-related conditions. This variant is not present in population databases (ExAC no frequency). This sequence change creates a premature translational stop signal (p.Glu1927Glyfs*23) in the ANKRD11 gene. It is expected to result in an absent or disrupted protein product.

Baylor Genetics
Classification: Pathogenic for KBG syndrome. Last evaluated: 2019-04-19. Review status: criteria provided, single submitter. Criteria: ACMG Guidelines, 2015. Collection method: clinical testing. Allele origin: unknown. Affected: yes.
Comment: This variant was determined to be pathogenic according to ACMG Guidelines, 2015 [PMID:25741868].

Literature cited by the submitters: PubMed 21782149 (cited by Labcorp Genetics (formerly Invitae), Labcorp); PubMed 25125236 (cited by Labcorp Genetics (formerly Invitae), Labcorp); PubMed 25413698 (cited by Labcorp Genetics (formerly Invitae), Labcorp); PubMed 25652421 (cited by Labcorp Genetics (formerly Invitae), Labcorp).

NM_013275.6(ANKRD11):c.5777dup (p.Glu1927fs)

Gene: ANKRD11 (ankyrin repeat domain 11; minus strand). Cytogenetic location: 16q24.3.
Variant type: Duplication.
Coding change: c.5777dup on transcript NM_013275.6 (MANE Select); coding-DNA position 5777, one base duplicated (C; older notation c.5777dupC).
Protein change: p.Glu1927fs; shifts the reading frame from glutamic acid 1927.
Molecular consequence: frameshift variant.
Genome position (GRCh38, 1-based): chr16:89,280,765, G duplicated on the plus strand (C on the coding strand, the reverse complement: ANKRD11 is on the minus strand); the first of 6 consecutive G bases (chr16:89,280,765-89,280,770); duplicating any one gives the same sequence. VCF-style (leftmost placement, unchanged base first): chr16-89280764-C-CG. GRCh37 (hg19) VCF-style: chr16-89347172-C-CG.
Other names: c.5777dup, p.Glu1927fs (NM_001256182.2, NM_001256183.2); c.5777dup (NM_013275.5); short protein forms E1927fs.
Identifiers: ClinVar variation 817713 (VCV000817713.35), dbSNP rs1597443966, ClinGen allele CA624452384.